The following is an entry in ClinVar:

NM_006231.4(POLE):c.3846_3976dup (p.Ile1326fs)

Gene: POLE (DNA polymerase epsilon, catalytic subunit; minus strand). Cytogenetic location: 12q24.33.
Variant type: Duplication.
Coding change: c.3846_3976dup on transcript NM_006231.4 (MANE Select); coding-DNA positions 3846 to 3976, 131 bases duplicated.
Protein change: p.Ile1326fs; shifts the reading frame from isoleucine 1326.
Molecular consequence: frameshift variant.
Genome position (GRCh38, 1-based): chr12:132,649,335-132,649,465, 131 bases duplicated. GRCh37 (hg19): chr12:133,225,924-133,226,054.
Other names: short protein forms I1326fs.
Identifiers: ClinVar variation 945234 (VCV000945234.9), dbSNP rs2042362718, ClinGen allele CA1139662967.

ClinVar aggregate classification (germline): Pathogenic (1 of 4 stars; one submission).

Submission:

Labcorp Genetics (formerly Invitae), Labcorp
Classification: Pathogenic. Last evaluated: 2022-05-12. Review status: criteria provided, single submitter. Criteria: Invitae Variant Classification Sherloc (09022015). Collection method: clinical testing. Allele origin: germline.
Comment: For these reasons, this variant has been classified as Pathogenic. Algorithms developed to predict the effect of sequence changes on RNA splicing suggest that this variant may create or strengthen a splice site. ClinVar contains an entry for this variant (Variation ID: 945234). This variant has not been reported in the literature in individuals affected with POLE-related conditions. This variant is not present in population databases (gnomAD no frequency). This sequence change creates a premature translational stop signal (p.Ile1326Argfs*79) in the POLE gene. It is expected to result in an absent or disrupted protein product. Loss-of-function variants in POLE are known to be pathogenic (PMID: 23230001, 25948378, 30503519).

Literature cited by the submitters: PubMed 23230001; PubMed 25948378; PubMed 30503519.